The following is an entry in ClinVar:

ClinVar aggregate classification (germline): Uncertain significance. Review status: criteria provided, multiple submitters, no conflicts (2 of 4 stars). 2 submissions from 2 submitters: Uncertain significance (2). Last evaluated 2022-06-22.

Conditions:
Familial hemophagocytic lymphohistiocytosis 3 (FHL3). Also called: UNC13D-Related Familial Hemophagocytic Lymphohistiocytosis (UNC13D-fHLH). Identifiers: Orphanet 540, MedGen C1837174, MONDO:0012146, OMIM 608898.

Allele frequency attached by ClinVar (database versions not stated): 1000 Genomes Project 30x 0.00016; 1000 Genomes Project 0.00020.
gnomAD v4.1: 37 of 1,575,438 alleles (0.0023%); highest among the groups gnomAD compares: South Asian, 0.0046%; no homozygotes.

Submissions (2):

Revvity Omics, Revvity
Classification: Uncertain significance for Familial hemophagocytic lymphohistiocytosis 3. Last evaluated: 2022-06-22. Review status: criteria provided, single submitter. Criteria: ACMG Guidelines, 2015. Collection method: clinical testing. Allele origin: germline.

Labcorp Genetics (formerly Invitae), Labcorp
Classification: Uncertain significance for Familial hemophagocytic lymphohistiocytosis 3. Last evaluated: 2021-08-14. Review status: criteria provided, single submitter. Criteria: Invitae Variant Classification Sherloc (09022015). Collection method: clinical testing. Allele origin: germline.
Comment: This sequence change replaces arginine with tryptophan at codon 709 of the UNC13D protein (p.Arg709Trp). The arginine residue is highly conserved and there is a moderate physicochemical difference between arginine and tryptophan. This variant is present in population databases (rs548101215, ExAC 0.006%). This variant has not been reported in the literature in individuals affected with UNC13D-related conditions. Algorithms developed to predict the effect of missense changes on protein structure and function are either unavailable or do not agree on the potential impact of this missense change (SIFT: "Not Available"; PolyPhen-2: "Probably Damaging"; Align-GVGD: "Not Available"). In summary, the available evidence is currently insufficient to determine the role of this variant in disease. Therefore, it has been classified as a Variant of Uncertain Significance.

NM_199242.3(UNC13D):c.2125C>T (p.Arg709Trp)

Gene: UNC13D (unc-13 homolog D; minus strand). Cytogenetic location: 17q25.1.
Variant type: single nucleotide variant.
Coding change: c.2125C>T on transcript NM_199242.3 (MANE Select); coding-DNA position 2125, C replaced by T.
Protein change: p.Arg709Trp; replaces arginine 709 with tryptophan.
Molecular consequence: missense variant.
Genome position (GRCh38, 1-based): chr17:75,834,498, G>A on the plus strand (C>T on the coding strand, the complement: UNC13D is on the minus strand). VCF-style: chr17-75834498-G-A. GRCh37 (hg19) VCF-style: chr17-73830579-G-A.
Other names: c.2125C>T (NM_199242.2); short protein forms R709W.
Identifiers: ClinVar variation 1513663 (VCV001513663.7), dbSNP rs548101215, ClinGen allele CA8772658.